The following is an entry in ClinVar:

ClinVar aggregate classification (germline): Conflicting classifications of pathogenicity. Review status: criteria provided, conflicting classifications (1 of 4 stars). 2 submissions from 2 submitters: Uncertain significance (1); Likely benign (1). Last evaluated 2022-10-28.

Conditions:
Hyperphosphatasia with intellectual disability syndrome 5 (GPIBD11). Also called: GLYCOSYLPHOSPHATIDYLINOSITOL BIOSYNTHESIS DEFECT 11. Identifiers: Orphanet 247262, MedGen C4014958, MONDO:0014457, OMIM 616025.

Allele frequency attached by ClinVar (database versions not stated): gnomAD 0.00002; gnomAD exomes 0.00002; TOPMed 0.00002; ExAC 0.00005.
gnomAD v4.1: 38 of 1,613,836 alleles (0.0024%); highest among the groups gnomAD compares: South Asian, 0.033%; 1 homozygote.

Submissions (2):

Blueprint Genetics
Classification: Likely benign. Last evaluated: 2022-10-28. Review status: criteria provided, single submitter. Criteria: ACMG Guidelines, 2015. Collection method: clinical testing. Allele origin: germline.

Labcorp Genetics (formerly Invitae), Labcorp
Classification: Uncertain significance for Hyperphosphatasia with intellectual disability syndrome 5. Last evaluated: 2022-02-02. Review status: criteria provided, single submitter. Criteria: Invitae Variant Classification Sherloc (09022015). Collection method: clinical testing. Allele origin: germline.
Comment: This sequence change replaces isoleucine, which is neutral and non-polar, with valine, which is neutral and non-polar, at codon 129 of the PIGW protein (p.Ile129Val). This variant is present in population databases (rs769522741, gnomAD 0.04%), including at least one homozygous and/or hemizygous individual. This variant has not been reported in the literature in individuals affected with PIGW-related conditions. Algorithms developed to predict the effect of missense changes on protein structure and function output the following: SIFT: "Tolerated"; PolyPhen-2: "Benign"; Align-GVGD: "Class C0". The valine amino acid residue is found in multiple mammalian species, which suggests that this missense change does not adversely affect protein function. In summary, the available evidence is currently insufficient to determine the role of this variant in disease. Therefore, it has been classified as a Variant of Uncertain Significance.

NM_001346754.2(PIGW):c.385A>G (p.Ile129Val)

Genes: MYO19 (myosin XIX; minus strand), PIGW (phosphatidylinositol glycan anchor biosynthesis class W; plus strand). Cytogenetic location: 17q12.
Variant type: single nucleotide variant.
Coding change: c.385A>G on transcript NM_001346754.2 (MANE Select); coding-DNA position 385, A replaced by G.
Protein change: p.Ile129Val; replaces isoleucine 129 with valine.
Molecular consequence: missense variant.
Genome position (GRCh38, 1-based): chr17:36,537,486, A>G. VCF-style: chr17-36537486-A-G. GRCh37 (hg19) VCF-style: chr17-34893335-A-G.
Other names: c.385A>G, p.Ile129Val (NM_001346755.2, NM_178517.5); short protein forms I129V.
Identifiers: ClinVar variation 2202189 (VCV002202189.2), dbSNP rs769522741, ClinGen allele CA290115875.